The following is an entry in ClinVar:

NM_001184880.2(PCDH19):c.2302T>C (p.Ser768Pro)

Genes: PCDH19 (protocadherin 19; minus strand), LOC125467768 (CDK7 strongly-dependent group 2 enhancer GRCh37_chrX:99657381-99658580; plus strand). Cytogenetic location: Xq22.1.
Variant type: single nucleotide variant.
Coding change: c.2302T>C on transcript NM_001184880.2 (MANE Select); coding-DNA position 2302, T replaced by C.
Protein change: p.Ser768Pro; replaces serine 768 with proline.
Molecular consequence: missense variant.
Genome position (GRCh38, 1-based): chrX:100,402,838, A>G on the plus strand (T>C on the coding strand, the complement: PCDH19 is on the minus strand). VCF-style: chrX-100402838-A-G. GRCh37 (hg19) VCF-style: chrX-99657836-A-G.
Other names: c.2161T>C, p.Ser721Pro (NM_001105243.2, NM_020766.3); short protein forms S768P, S721P.
Identifiers: ClinVar variation 2138211 (VCV002138211.4), dbSNP rs773207108, ClinGen allele CA10468781.

ClinVar aggregate classification (germline): Uncertain significance (1 of 4 stars; one submission).

Conditions:
Developmental and epileptic encephalopathy, 9 (DEE9). Also called: Early infantile epileptic encephalopathy 9; JUBERG-HELLMAN SYNDROME; EPILEPSY, FEMALE-RESTRICTED, WITH MENTAL RETARDATION; PCDH19-Related X-Linked Female-Limited Epilepsy with Mental Retardation. Identifiers: Orphanet 101039, Orphanet 2076, MedGen C1848137, MONDO:0010246, OMIM 300088. Disease mechanism: loss of function.

Allele frequency attached by ClinVar (database versions not stated): gnomAD exomes below 0.00001; ExAC 0.00002.
gnomAD v4.1: 3 of 1,205,274 alleles (0.00025%); highest among the groups gnomAD compares: East Asian, 0.0089%; no homozygotes.

Submission:

Labcorp Genetics (formerly Invitae), Labcorp
Classification: Uncertain significance for Developmental and epileptic encephalopathy, 9. Last evaluated: 2025-08-04. Review status: criteria provided, single submitter. Criteria: Invitae Variant Classification Sherloc (09022015). Collection method: clinical testing. Allele origin: germline.
Comment: This sequence change replaces serine, which is neutral and polar, with proline, which is neutral and non-polar, at codon 768 of the PCDH19 protein (p.Ser768Pro). This variant is present in population databases (rs773207108, gnomAD 0.03%). This variant has not been reported in the literature in individuals affected with PCDH19-related conditions. ClinVar contains an entry for this variant (Variation ID: 2138211). Invitae Evidence Modeling of protein sequence and biophysical properties (such as structural, functional, and spatial information, amino acid conservation, physicochemical variation, residue mobility, and thermodynamic stability) has been performed for this missense variant. However, the output from this modeling did not meet the statistical confidence thresholds required to predict the impact of this variant on PCDH19 protein function. In summary, the available evidence is currently insufficient to determine the role of this variant in disease. Therefore, it has been classified as a Variant of Uncertain Significance.